The following is an entry in ClinVar:

ClinVar aggregate classification (germline): Likely benign. Review status: criteria provided, multiple submitters, no conflicts (2 of 4 stars). 3 submissions from 3 submitters: Likely benign (2). 1 of the submissions does not count toward it. Last evaluated 2026-01-18.

Conditions:
Autosomal recessive nonsyndromic hearing loss 77. Identifiers: Orphanet 90636, MedGen C2746083, MONDO:0013119, OMIM 613079.

Allele frequency attached by ClinVar (database versions not stated): gnomAD 0.00005; TOPMed 0.00005; gnomAD exomes 0.00011 and 0.00019; ExAC 0.00018.
gnomAD v4.1: 164 of 1,547,414 alleles (0.011%); highest among the groups gnomAD compares: South Asian, 0.05%; no homozygotes.

Submissions (3):

Labcorp Genetics (formerly Invitae), Labcorp
Classification: Likely benign. Last evaluated: 2026-01-18. Review status: criteria provided, single submitter. Criteria: Invitae Variant Classification Sherloc (09022015). Collection method: clinical testing. Allele origin: germline.

Laboratory for Molecular Medicine, Mass General Brigham Personalized Medicine
Classification: Likely benign. Last evaluated: 2013-02-06. Review status: criteria provided, single submitter. Criteria: LMM Criteria. Collection method: clinical testing. Allele origin: germline. Observed: 1 variant allele.
Comment: 5864-15C>T intron 37 in LOXHD1: This variant is not expected to have clinical si gnificance because it is not located within the splice consensus sequence.

Counsyl
Classification: Uncertain significance for Autosomal recessive nonsyndromic hearing loss 77. Last evaluated: 2017-05-23. Review status: no assertion criteria provided. Collection method: clinical testing. Allele origin: unknown. Not counted in ClinVar's aggregate classification.

NM_001384474.1(LOXHD1):c.6050-15C>T

Gene: LOXHD1 (lipoxygenase homology PLAT domains 1; minus strand). Cytogenetic location: 18q21.1.
Variant type: single nucleotide variant.
Coding change: c.6050-15C>T on transcript NM_001384474.1 (MANE Select); 15 bases into the intron before coding-DNA position 6050, C replaced by T.
Molecular consequence: intron variant.
Genome position (GRCh38, 1-based): chr18:46,485,166, G>A on the plus strand (C>T on the coding strand, the complement: LOXHD1 is on the minus strand). VCF-style: chr18-46485166-G-A. GRCh37 (hg19) VCF-style: chr18-44065129-G-A.
Other names: c.2717-15C>T (NM_001145472.3); c.2429-15C>T (NM_001308013.2); c.767-15C>T (NM_001173129.2, NM_001145473.3); c.5864-15C>T (NM_144612.7).
Identifiers: ClinVar variation 47948 (VCV000047948.12), dbSNP rs397517864, ClinGen allele CA142240.